The following is an entry in ClinVar:

NM_006767.4(LZTR1):c.652-1G>T

Gene: LZTR1 (leucine zipper like post translational regulator 1; plus strand). Cytogenetic location: 22q11.21.
Variant type: single nucleotide variant.
Coding change: c.652-1G>T on transcript NM_006767.4 (MANE Select); the canonical splice acceptor site of the intron before coding-DNA position 652, G replaced by T.
Molecular consequence: splice acceptor variant.
Genome position (GRCh38, 1-based): chr22:20,990,385, G>T. VCF-style: chr22-20990385-G-T. GRCh37 (hg19) VCF-style: chr22-21344674-G-T.
Identifiers: ClinVar variation 2961785 (VCV002961785.3), dbSNP rs1280449769, ClinGen allele CA410780406.

ClinVar aggregate classification (germline): Likely pathogenic (1 of 4 stars; one submission).

Allele frequency attached by ClinVar (database versions not stated): TOPMed 0.00001.

Submission:

Labcorp Genetics (formerly Invitae), Labcorp
Classification: Likely pathogenic. Last evaluated: 2023-03-28. Review status: criteria provided, single submitter. Criteria: Invitae Variant Classification Sherloc (09022015). Collection method: clinical testing. Allele origin: germline.
Comment: This variant has not been reported in the literature in individuals affected with LZTR1-related conditions. Algorithms developed to predict the effect of sequence changes on RNA splicing suggest that this variant may disrupt the consensus splice site. In summary, the currently available evidence indicates that the variant is pathogenic, but additional data are needed to prove that conclusively. Therefore, this variant has been classified as Likely Pathogenic. This variant is not present in population databases (gnomAD no frequency). This sequence change affects an acceptor splice site in intron 7 of the LZTR1 gene. It is expected to disrupt RNA splicing. Variants that disrupt the donor or acceptor splice site typically lead to a loss of protein function (PMID: 16199547), and loss-of-function variants in LZTR1 are known to be pathogenic (PMID: 24362817, 25335493, 25480913, 25795793, 29469822, 30368668, 30442762, 30442766, 30481304, 30859559).

Literature cited by the submitters: PubMed 16199547; PubMed 24362817; PubMed 25335493; PubMed 25480913; PubMed 25795793; PubMed 29469822; PubMed 30368668; PubMed 30442762; PubMed 30442766; PubMed 30481304; PubMed 30859559.